The following is an entry in ClinVar:

NM_001039348.3(EFEMP1):c.238A>T (p.Asn80Tyr)

Gene: EFEMP1 (EGF containing fibulin extracellular matrix protein 1; minus strand). Cytogenetic location: 2p16.1.
Variant type: single nucleotide variant.
Coding change: c.238A>T on transcript NM_001039348.3 (MANE Select); coding-DNA position 238, A replaced by T.
Protein change: p.Asn80Tyr; replaces asparagine 80 with tyrosine.
Molecular consequence: missense variant.
Genome position (GRCh38, 1-based): chr2:55,917,944, T>A on the plus strand (A>T on the coding strand, the complement: EFEMP1 is on the minus strand). VCF-style: chr2-55917944-T-A. GRCh37 (hg19) VCF-style: chr2-56145079-T-A.
Other names: c.238A>T, p.Asn80Tyr (NM_001039349.3); short protein forms N80Y.
Identifiers: ClinVar variation 1294421 (VCV001294421.5), dbSNP rs2104452781, ClinGen allele CA347026882.

ClinVar aggregate classification (germline): Pathogenic. Review status: no assertion criteria provided (0 of 4 stars). 2 submissions from 2 submitters: Pathogenic (2). Last evaluated 2024-03-18.

Conditions:
Glaucoma 1, open angle, H. Also called: GLC1H. Identifiers: MedGen C1969811, OMIM 611276, MONDO:0012646.
Glaucoma of childhood. Also called: Juvenile open angle glaucoma; Developmental glaucoma; Childhood glaucoma; Infantile glaucoma; Pediatric glaucoma. Identifiers: Orphanet 98977, MedGen C2981140, MONDO:0020367, HP:0001087.

Submissions (2):

OMIM
Classification: Pathogenic for GLAUCOMA 1, OPEN ANGLE, H. Last evaluated: 2024-03-18. Review status: no assertion criteria provided. Collection method: literature only. Allele origin: germline.

Janey Wiggs Laboratory, Massachusetts Eye and Ear, Harvard Medical School
Classification: Pathogenic for Glaucoma of childhood. Last evaluated: 2021-09-23. Review status: no assertion criteria provided. Collection method: research. Allele origin: germline. Inheritance: Autosomal dominant inheritance. Affected: yes. Observed: 16 variant alleles.
Comment: The Asn80Tyr variant in EFEMP1 has been reported in a Filipino family (Collantes et al, in revision) and segregated with disease in 34 individuals (16 affected) and was absent from last population studies. Additionally, invitro functional studies indicate that Asn80Tyr causes intracellular protein aggregation potentially related to disease pathogenesis. In summary the Asn80Tyr variant meets criteria to be classified as pathogenic based upon segregation studies, absence from controls and functional evidence.

Literature cited by the submitters: Collantes, E. R. A., Delfin, M. S., Fan, B., Torregosa, J. M. R., Siguan-Bell, C., Vincent de Guzman Florcruz, N., Martinez, J. M. D., Joy Masna-Hidalgo, B., Guzman, V. P. T., Anotado-Flores, J. F., Levina, F. D., Hernandez, S. R. C., Collantes, A. A., Sibulo, M. C., Rong, S., Wiggs, J. L. EFEMP1 rare variants cause familial juvenile-onset open-angle glaucoma. Hum. Mutat. 43: 1343, 2022. Note: Erratum: Hum. Mutat. 43: 1343 only, 2022. (cited by OMIM).